The following is an entry in ClinVar:

NM_002878.4(RAD51D):c.289C>T (p.Leu97Phe)

Genes: RAD51D (RAD51 paralog D; minus strand), RAD51L3-RFFL (RAD51L3-RFFL readthrough; minus strand). Cytogenetic location: 17q12.
Variant type: single nucleotide variant.
Coding change: c.289C>T on transcript NM_002878.4 (MANE Select); coding-DNA position 289, C replaced by T.
Protein change: p.Leu97Phe; replaces leucine 97 with phenylalanine.
Molecular consequence: missense variant. On other transcripts: non-coding transcript variant (2), intron variant (1).
Genome position (GRCh38, 1-based): chr17:35,107,422, G>A on the plus strand (C>T on the coding strand, the complement: RAD51D is on the minus strand). VCF-style: chr17-35107422-G-A. GRCh37 (hg19) VCF-style: chr17-33434441-G-A.
Other names: c.349C>T, p.Leu117Phe (NM_001142571.2); c.145-941C>T (NM_133629.3); short protein forms L117F, L97F.
Identifiers: ClinVar variation 950183 (VCV000950183.9), dbSNP rs2091621288, ClinGen allele CA399089985.
Genomic context (GRCh38, chr17:35,107,422, plus strand): 5'-GTACCTGAGTTTTGCCGCTACCTGGGCCTCCTACAATTTCAGTCACTTCTCCAGTATAGA[G>A]ACCAGCATCAAGCAGTTTATCAAGACTGATGGCAGAAGAGAAGAAAATCAACACAAGAGG-3'
Protein context (NP_002869.3, residues 87-107): GSLDKLLDAG[Leu97Phe]YTGEVTEIVG

ClinVar aggregate classification (germline): Uncertain significance (1 of 4 stars; one submission).

Conditions:
Breast-ovarian cancer, familial, susceptibility to, 4. Identifiers: Orphanet 145, MedGen C3280345, MONDO:0013669, OMIM 614291.

Allele frequency attached by ClinVar (database versions not stated): TOPMed 0.00001.

Submission:

Labcorp Genetics (formerly Invitae), Labcorp
Classification: Uncertain significance for Breast-ovarian cancer, familial, susceptibility to, 4. Last evaluated: 2024-05-27. Review status: criteria provided, single submitter. Criteria: Invitae Variant Classification Sherloc (09022015). Collection method: clinical testing. Allele origin: germline.
Comment: This sequence change replaces leucine, which is neutral and non-polar, with phenylalanine, which is neutral and non-polar, at codon 97 of the RAD51D protein (p.Leu97Phe). This variant is not present in population databases (gnomAD no frequency). This variant has not been reported in the literature in individuals affected with RAD51D-related conditions. ClinVar contains an entry for this variant (Variation ID: 950183). Advanced modeling of protein sequence and biophysical properties (such as structural, functional, and spatial information, amino acid conservation, physicochemical variation, residue mobility, and thermodynamic stability) performed at Invitae indicates that this missense variant is not expected to disrupt RAD51D protein function with a negative predictive value of 80%. In summary, the available evidence is currently insufficient to determine the role of this variant in disease. Therefore, it has been classified as a Variant of Uncertain Significance.